The following is an entry in ClinVar:

NM_001370298.3(FGD4):c.1327T>C (p.Phe443Leu)

Gene: FGD4 (FYVE, RhoGEF and PH domain containing 4; plus strand). Cytogenetic location: 12p11.21.
Variant type: single nucleotide variant.
Coding change: c.1327T>C on transcript NM_001370298.3 (MANE Select); coding-DNA position 1327, T replaced by C.
Protein change: p.Phe443Leu; replaces phenylalanine 443 with leucine.
Molecular consequence: missense variant. On other transcripts: 5 prime UTR variant (1).
Genome position (GRCh38, 1-based): chr12:32,602,240, T>C. VCF-style: chr12-32602240-T-C. GRCh37 (hg19) VCF-style: chr12-32755174-T-C.
Other names: c.1171T>C, p.Phe391Leu (NM_001304481.2); c.172T>C, p.Phe58Leu (NM_001304483.2); c.-136T>C (NM_001304484.2); c.637T>C, p.Phe213Leu (NM_001330373.2, NM_001330374.2, NM_001384130.1); c.364T>C, p.Phe122Leu (NM_001370297.1); c.1327T>C, p.Phe443Leu (NM_001384126.1); c.916T>C, p.Phe306Leu (NM_001384127.1, NM_001384128.1, NM_001385118.1 and 1 more transcripts); short protein forms F213L, F391L, F122L, F306L, F443L, F58L.
Identifiers: ClinVar variation 1484732 (VCV001484732.6), dbSNP rs2136659122, ClinGen allele CA384358714.

ClinVar aggregate classification (germline): Uncertain significance (1 of 4 stars; one submission).

Conditions:
Charcot-Marie-Tooth disease type 4. Also called: Charcot-Marie-Tooth, Type 4; Charcot-Marie-Tooth disease, type IV. Identifiers: Orphanet 64749, MedGen C4082197, MONDO:0018995.

Submission:

Labcorp Genetics (formerly Invitae), Labcorp
Classification: Uncertain significance for Charcot-Marie-Tooth disease type 4. Last evaluated: 2024-10-29. Review status: criteria provided, single submitter. Criteria: Invitae Variant Classification Sherloc (09022015). Collection method: clinical testing. Allele origin: germline.
Comment: This sequence change replaces phenylalanine, which is neutral and non-polar, with leucine, which is neutral and non-polar, at codon 306 of the FGD4 protein (p.Phe306Leu). This variant is not present in population databases (gnomAD no frequency). This variant has not been reported in the literature in individuals affected with FGD4-related conditions. ClinVar contains an entry for this variant (Variation ID: 1484732). Invitae Evidence Modeling of protein sequence and biophysical properties (such as structural, functional, and spatial information, amino acid conservation, physicochemical variation, residue mobility, and thermodynamic stability) indicates that this missense variant is expected to disrupt FGD4 protein function with a positive predictive value of 80%. In summary, the available evidence is currently insufficient to determine the role of this variant in disease. Therefore, it has been classified as a Variant of Uncertain Significance.